The following is an entry in ClinVar:

NM_032564.5(DGAT2):c.1140G>A (p.Pro380=)

Gene: DGAT2 (diacylglycerol O-acyltransferase 2; plus strand). Cytogenetic location: 11q13.5.
Variant type: single nucleotide variant.
Coding change: c.1140G>A on transcript NM_032564.5 (MANE Select); coding-DNA position 1140, G replaced by A.
Protein change: p.Pro380=; no amino-acid change (proline 380 retained).
Molecular consequence: synonymous variant.
Genome position (GRCh38, 1-based): chr11:75,800,481, G>A. VCF-style: chr11-75800481-G-A. GRCh37 (hg19) VCF-style: chr11-75511526-G-A.
Other names: p.Pro380=; c.1011G>A, p.Pro337= (NM_001253891.2).
Identifiers: ClinVar variation 4683660 (VCV004683660.1).

ClinVar aggregate classification (germline): Likely benign (1 of 4 stars; one submission).

gnomAD v4.1: 59 of 1,614,058 alleles (0.0037%); highest among the groups gnomAD compares: Middle Eastern, 0.017%; no homozygotes.

Submission:

Mayo Clinic Laboratories, Mayo Clinic
Classification: Likely benign. Last evaluated: 2025-02-07. Review status: criteria provided, single submitter. Criteria: ACMG Guidelines, 2015. Collection method: clinical testing. Allele origin: germline. Observed: 1 variant allele.
Comment: BP4, BP7